The following is an entry in ClinVar:

NM_007194.4(CHEK2):c.1438G>A (p.Ala480Thr)

Gene: CHEK2 (checkpoint kinase 2; minus strand). Cytogenetic location: 22q12.1.
Variant type: single nucleotide variant.
Coding change: c.1438G>A on transcript NM_007194.4 (MANE Select); coding-DNA position 1438, G replaced by A.
Protein change: p.Ala480Thr; replaces alanine 480 with threonine.
Molecular consequence: missense variant.
Genome position (GRCh38, 1-based): chr22:28,694,055, C>T on the plus strand (G>A on the coding strand, the complement: CHEK2 is on the minus strand). VCF-style: chr22-28694055-C-T. GRCh37 (hg19) VCF-style: chr22-29090043-C-T.
Other names: c.1567G>A, p.Ala523Thr (NM_001005735.3); c.775G>A, p.Ala259Thr (NM_001257387.3); c.1237G>A, p.Ala413Thr (NM_001349956.3); c.1351G>A, p.Ala451Thr (NM_145862.3); short protein forms A480T, A259T, A451T, A413T, A523T.
Identifiers: ClinVar variation 230405 (VCV000230405.25), dbSNP rs773600515, ClinGen allele CA10167655.

ClinVar aggregate classification (germline): Uncertain significance. Review status: criteria provided, multiple submitters, no conflicts (2 of 4 stars). 7 submissions from 7 submitters: Uncertain significance (7). Last evaluated 2025-12-29.

Conditions:
Hereditary nonpolyposis colon cancer (HNPCC). Also called: Hereditary nonpolyposis colorectal cancer; Familial nonpolyposis colon cancer; Hereditary Nonpolyposis Colorectal Cancer Syndrome. Identifiers: Orphanet 443909, MedGen C1333990, MONDO:0018630. Disease mechanism: loss of function.
Hereditary cancer-predisposing syndrome. Also called: Neoplastic Syndromes, Hereditary; Tumor predisposition; Hereditary Cancer Syndrome; Hereditary neoplastic syndrome. Identifiers: Orphanet 140162, MedGen C0027672, MeSH D009386, MONDO:0015356.
Familial cancer of breast. Also called: BREAST CANCER, FAMILIAL; hereditary breast carcinoma; Hereditary breast cancer. Identifiers: Orphanet 227535, MedGen C0346153, MONDO:0016419, OMIM 114480. Disease mechanism: loss of function.

Allele frequency attached by ClinVar (database versions not stated): ExAC 0.00001; gnomAD 0.00001; gnomAD exomes 0.00001; TOPMed 0.00001.
gnomAD v4.1: 10 of 1,595,940 alleles (0.00063%); highest among the groups gnomAD compares: East Asian, 0.018%; no homozygotes.

Submissions (7):

Labcorp Genetics (formerly Invitae), Labcorp
Classification: Uncertain significance for Familial cancer of breast. Last evaluated: 2025-12-29. Review status: criteria provided, single submitter. Criteria: Invitae Variant Classification Sherloc (09022015). Collection method: clinical testing. Allele origin: germline.
Comment: This sequence change replaces alanine, which is neutral and non-polar, with threonine, which is neutral and polar, at codon 480 of the CHEK2 protein (p.Ala480Thr). This variant is present in population databases (rs773600515, gnomAD 0.01%). This missense change has been observed in individual(s) with breast and/or ovarian cancer (PMID: 30093976, 30287823, 30982232, 34903604). ClinVar contains an entry for this variant (Variation ID: 230405). An algorithm developed to predict the effect of missense changes on protein structure and function (PolyPhen-2) suggests that this variant is likely to be disruptive. Experimental studies have shown that this missense change does not substantially affect CHEK2 function (PMID: 37449874). In summary, the available evidence is currently insufficient to determine the role of this variant in disease. Therefore, it has been classified as a Variant of Uncertain Significance.

Ambry Genetics
Classification: Uncertain significance for Hereditary cancer-predisposing syndrome. Last evaluated: 2025-04-16. Review status: criteria provided, single submitter. Criteria: Ambry Variant Classification Scheme 2023. Collection method: clinical testing. Allele origin: germline.
Comment: The p.A480T variant (also known as c.1438G>A), located in coding exon 12 of the CHEK2 gene, results from a G to A substitution at nucleotide position 1438. The alanine at codon 480 is replaced by threonine, an amino acid with similar properties. This alteration was observed in with an allele frequency of 0.00099 in 7,051 unselected female breast cancer patients and was observed with an allele frequency of 0.00009 in 11,241 female controls of Japanese ancestry. In addition, it was not observed in unselected male breast cancer patients and was observed with an allele frequency of 0.0001 in 12490 male controls of Japanese ancestry (Momozawa Y et al. Nat Commun, 2018 10;9:4083). This alteration has also been identified in multiple individuals diagnosed with breast cancer (Chan GHJ et al. Oncotarget, 2018 Jul;9:30649-30660; Wang J et al. Cancer Med, 2019 May;8:2074-2084). This alteration was reported with intermediate function in an mES cell-based assay of CHEK2 activity (Boonen RACM et al. Cancer Res, 2022 Feb;82:615-631). This variant was reported as functional in a study assessing CHEK2-complementation through quantification of KAP1 phosphorylation and CHK2 autophosphorylation in human RPE1-CHEK2-knockout cells (Stolarova L et al. Clin Cancer Res, 2023 Aug;29:3037-3050). This amino acid position is highly conserved in available vertebrate species. In addition, the in silico prediction for this alteration is inconclusive. Based on the available evidence, the clinical significance of this variant remains unclear.

Baylor Genetics
Classification: Uncertain significance for Familial cancer of breast. Last evaluated: 2023-12-08. Review status: criteria provided, single submitter. Criteria: ACMG Guidelines, 2015. Collection method: clinical testing. Allele origin: unknown.

Department of Pathology and Laboratory Medicine, Sinai Health System
Classification: Uncertain significance for hereditary nonpolyposis colon cancer. Last evaluated: 2023-10-02. Review status: criteria provided, single submitter. Criteria: ACMG Guidelines, 2015. Collection method: clinical testing. Allele origin: germline. Affected: no.

Color Diagnostics, LLC DBA Color Health
Classification: Uncertain significance for Hereditary cancer-predisposing syndrome. Last evaluated: 2022-09-27. Review status: criteria provided, single submitter. Criteria: ACMG Guidelines, 2015. Collection method: clinical testing. Allele origin: germline.
Comment: This missense variant replaces alanine with threonine at codon 480 of the CHEK2 protein. Computational prediction suggests that this variant may not impact protein structure and function (internally defined REVEL score threshold <= 0.5, PMID: 27666373). A functional study has shown that this variant does not affect CHEK2 kinase activity towards Kap1 protein, one of its main downstream targets (PMID: 34903604). This variant has been reported in two individuals affected with breast cancer (PMID: 30093976, 30982232). In a large Japanese case-control study, this variant has been observed in 7/7051 females with breast cancer and 1/11241 controls (PMID: 30287823). This variant has also been reported in individuals affected with liposarcoma (PMID: 26643872) and glioma/glioblastoma (Guauque-Olarte 2016, DOI 10.12688/f1000research.9932.1). This variant has been identified in 2/233798 chromosomes (2/18000 East Asian chromosomes) in the general population by the Genome Aggregation Database (gnomAD). The available evidence is insufficient to determine the role of this variant in disease conclusively. Therefore, this variant is classified as a Variant of Uncertain Significance.

Quest Diagnostics Nichols Institute San Juan Capistrano
Classification: Uncertain significance. Last evaluated: 2021-01-13. Review status: criteria provided, single submitter. Criteria: Quest Diagnostics criteria. Collection method: clinical testing. Allele origin: unknown.

Women's Health and Genetics/Laboratory Corporation of America, LabCorp
Classification: Uncertain significance. Last evaluated: 2019-09-13. Review status: criteria provided, single submitter. Criteria: LabCorp Variant Classification Summary - May 2015. Collection method: clinical testing. Allele origin: germline.
Comment: Variant summary: CHEK2 c.1438G>A (p.Ala480Thr) results in a non-conservative amino acid change located in the Protein kinase domain (IPR000719) of the encoded protein sequence. Three of five in-silico tools predict a damaging effect of the variant on protein function. The variant allele was found at a frequency of 1.4e-05 in 281260 control chromosomes (gnomAD and Momozawa_2018). The available data on variant occurrences in the general population are insufficient to allow any conclusion about variant significance. c.1438G>A has been reported in the literature in individuals affected with breast cancer (Chan_2018, Momozawa_2018, Wang_2019) and an individual with liposarcoma (Kanojia_2015). These reports however, do not provide unequivocal conclusions about association of the variant with Hereditary Breast and Ovarian Cancer. To our knowledge, no experimental evidence demonstrating an impact on protein function has been reported. Three ClinVar submitters (evaluation after 2014) cite the variant as uncertain significance. Based on the evidence outlined above, the variant was classified as uncertain significance.

Literature cited by the submitters: PubMed 30093976 (cited by 6 submitters); PubMed 30287823 (cited by 6 submitters); PubMed 30982232 (cited by 6 submitters); PubMed 34903604 (cited by 4 submitters); PubMed 37449874 (cited by Labcorp Genetics (formerly Invitae), Labcorp and Ambry Genetics); PubMed 34128847 (cited by Department of Pathology and Laboratory Medicine, Sinai Health System); PubMed 34570441 (cited by Department of Pathology and Laboratory Medicine, Sinai Health System); PubMed 26643872 (cited by 4 submitters).